The following is an entry in ClinVar:

NM_004937.3(CTNS):c.*2119G>T

Gene: CTNS (cystinosin, lysosomal cystine transporter; plus strand). Cytogenetic location: 17p13.2.
Variant type: single nucleotide variant.
Coding change: c.*2119G>T on transcript NM_004937.3 (MANE Select); 2119 bases downstream of the stop codon, G replaced by T.
Molecular consequence: 3 prime UTR variant.
Genome position (GRCh38, 1-based): chr17:3,662,488, G>T. VCF-style: chr17-3662488-G-T. GRCh37 (hg19) VCF-style: chr17-3565782-G-T.
Other names: c.*1754G>T (NM_001031681.3, NM_001374492.1); c.*2119G>T (NM_001374493.1, NM_001374494.1, NM_001374495.1 and 1 more transcripts).
Identifiers: ClinVar variation 322909 (VCV000322909.5), dbSNP rs80249487, ClinGen allele CA10645496.

ClinVar aggregate classification (germline): Likely benign. Review status: criteria provided, single submitter (1 of 4 stars). 2 submissions from 1 submitter: Likely benign (2). Last evaluated 2018-01-12.

Conditions:
Ocular cystinosis. Also called: Non-Nephropathic (Ocular) Cystinosis; Non-Nephropathic Cystinosis. Identifiers: Orphanet 213, Orphanet 411641, MedGen C2931013, MONDO:0009064, OMIM 219750.
Nephropathic cystinosis (CTNS). Also called: CYSTINOSIN, DEFECT OF; LYSOSOMAL CYSTINE TRANSPORT PROTEIN, DEFECT OF; Abderhalden Lignac Kaufmann disease; Abderhalden-Kaufmann-Lignac syndrome. Identifiers: Orphanet 213, Orphanet 411629, MedGen C2931187, MONDO:0100151, OMIM 219800.

Allele frequency attached by ClinVar (database versions not stated): 1000 Genomes Project 0.00339; gnomAD 0.00377 and 0.00388; 1000 Genomes Project 30x 0.00390; TOPMed 0.00402.
gnomAD v4.1: 574 of 152,228 alleles (0.38%); highest among the groups gnomAD compares: Middle Eastern, 1.4%; 2 homozygotes.

Submissions (2):

Illumina Laboratory Services, Illumina
Classification: Likely benign for Nephropathic cystinosis. Last evaluated: 2018-01-12. Review status: criteria provided, single submitter. Criteria: ICSL Variant Classification Criteria 13 December 2019. Collection method: clinical testing. Allele origin: germline.
Comment: This variant was observed in the ICSL laboratory as part of a predisposition screen in an ostensibly healthy population. It had not been previously curated by ICSL or reported in the Human Gene Mutation Database (HGMD: prior to June 1st, 2018), and was therefore a candidate for classification through an automated scoring system. Utilizing variant allele frequency, disease prevalence and penetrance estimates, and inheritance mode, an automated score was calculated to assess if this variant is too frequent to cause the disease. Based on the score and internal cut-off values, a variant classified as likely benign is not then subjected to further curation. The score for this variant resulted in a classification of likely benign for this disease.

Illumina Laboratory Services, Illumina
Classification: Likely benign for Ocular cystinosis. Last evaluated: 2018-01-12. Review status: criteria provided, single submitter. Criteria: ICSL Variant Classification Criteria 13 December 2019. Collection method: clinical testing. Allele origin: germline.
Comment: the same text as in the submission from Illumina Laboratory Services, Illumina above.